The following is an entry in ClinVar:

ClinVar aggregate classification (germline): Likely pathogenic (1 of 4 stars; one submission).

Conditions:
Methylmalonic aciduria due to methylmalonyl-CoA mutase deficiency (MAMM). Also called: Methylmalonic aciduria, mut type. Identifiers: Orphanet 27, MedGen C1855114, MONDO:0009612, OMIM 251000.

gnomAD v4.1: 1 of 1,603,854 alleles (0.000062%); highest among the groups gnomAD compares: Non-Finnish European, 0.000085%; no homozygotes.

Submission:

Myriad Genetics, Inc.
Classification: Likely pathogenic for Methylmalonic aciduria due to methylmalonyl-CoA mutase deficiency. Last evaluated: 2025-02-11. Review status: criteria provided, single submitter. Criteria: Myriad Autosomal Dominant, Autosomal Recessive and X-Linked Classification Criteria (2023). Collection method: clinical testing. Allele origin: unknown.
Comment: NM_000255.3(MMUT):c.1444+2T>G is a variant in a canonical splice site classified as likely pathogenic in the context of methylmalonic acidemia, MMUT-related. c.1444+2T>G has been observed in a case with relevant disease (PMID: 36717752). Relevant functional assessments of this variant are not available in the literature. c.1444+2T>G has been observed in referenced population frequency databases. In summary, NM_000255.3(MMUT):c.1444+2T>G is a variant in a canonical splice site in a gene where loss of function is a known mechanism of disease, is predicted to disrupt protein function, and has been observed more frequently in cases with the relevant disease than in healthy populations. Please note: this variant was assessed in the context of healthy population screening.

Literature cited by the submitters: PubMed 36717752.

NM_000255.4(MMUT):c.1444+2T>G

Gene: MMUT (methylmalonyl-CoA mutase; minus strand). Cytogenetic location: 6p12.3.
Variant type: single nucleotide variant.
Coding change: c.1444+2T>G on transcript NM_000255.4 (MANE Select); the canonical splice donor site of the intron after coding-DNA position 1444, T replaced by G.
Molecular consequence: splice donor variant.
Genome position (GRCh38, 1-based): chr6:49,448,814, A>C on the plus strand (T>G on the coding strand, the complement: MMUT is on the minus strand). VCF-style: chr6-49448814-A-C. GRCh37 (hg19) VCF-style: chr6-49416527-A-C.
Identifiers: ClinVar variation 4081739 (VCV004081739.1).